The following is an entry in ClinVar:

NM_080491.3(GAB2):c.699C>T (p.Gly233=)

Genes: GAB2 (GRB2 associated binding protein 2; minus strand), USP35 (ubiquitin specific peptidase 35; plus strand). Cytogenetic location: 11q14.1.
Variant type: single nucleotide variant.
Coding change: c.699C>T on transcript NM_080491.3 (MANE Select); coding-DNA position 699, C replaced by T.
Protein change: p.Gly233=; no amino-acid change (glycine 233 retained).
Molecular consequence: synonymous variant.
Genome position (GRCh38, 1-based): chr11:78,226,973, G>A on the plus strand (C>T on the coding strand, the complement: GAB2 is on the minus strand). VCF-style: chr11-78226973-G-A. GRCh37 (hg19) VCF-style: chr11-77938019-G-A.
Other names: c.585C>T, p.Gly195= (NM_012296.4).
Identifiers: ClinVar variation 4981503 (VCV004981503.1).

ClinVar aggregate classification (germline): Likely benign (1 of 4 stars; one submission).

Conditions:
GAB2-related condition.

gnomAD v4.1: 29 of 1,613,528 alleles (0.0018%); highest among the groups gnomAD compares: Non-Finnish European, 0.0023%; no homozygotes.

Submission:

PreventionGenetics, part of Exact Sciences
Classification: Likely benign for GAB2-related condition. Last evaluated: 2025-10-25. Review status: criteria provided, single submitter. Criteria: ACMG Guidelines, 2015. Collection method: clinical testing. Allele origin: germline.
Comment: This variant is classified as likely benign based on ACMG/AMP sequence variant interpretation guidelines (Richards et al. 2015 PMID: 25741868, with internal and published modifications).